The following is an entry in ClinVar:

ClinVar aggregate classification (germline): Uncertain significance. Review status: criteria provided, multiple submitters, no conflicts (2 of 4 stars). 2 submissions from 2 submitters: Uncertain significance (2). Last evaluated 2024-07-01.

Conditions:
Familial thoracic aortic aneurysm and aortic dissection (TAAD). Also called: Thoracic aortic aneurysms and dissections. Identifiers: Orphanet 91387, MedGen C4707243, MONDO:0019625.

gnomAD v4.1: 1 of 1,614,014 alleles (0.000062%); highest among the groups gnomAD compares: Non-Finnish European, 0.000085%; no homozygotes.

Submissions (2):

CeGaT Center for Human Genetics Tuebingen
Classification: Uncertain significance. Last evaluated: 2024-07-01. Review status: criteria provided, single submitter. Criteria: CeGaT Center For Human Genetics Tuebingen Variant Classification Criteria Version 2. Collection method: clinical testing. Allele origin: germline. Affected: yes. Observed: 1 variant allele.
Comment: FBN1: PM2, BP4

Color Diagnostics, LLC DBA Color Health
Classification: Uncertain significance for Familial thoracic aortic aneurysm and aortic dissection. Last evaluated: 2024-06-12. Review status: criteria provided, single submitter. Criteria: ACMG Guidelines, 2015. Collection method: clinical testing. Allele origin: germline.
Comment: This missense variant replaces leucine with phenylalanine at codon 2308 of the FBN1 protein. Computational prediction suggests that this variant may not impact protein structure and function (internally defined REVEL score threshold <= 0.5, PMID: 27666373). To our knowledge, functional studies have not been reported for this variant. This variant has not been reported in individuals affected with FBN1-related disorders in the literature. This variant has not been identified in the general population by the Genome Aggregation Database (gnomAD). The available evidence is insufficient to determine the role of this variant in disease conclusively. Therefore, this variant is classified as a Variant of Uncertain Significance.

NM_000138.5(FBN1):c.6922C>T (p.Leu2308Phe)

Gene: FBN1 (fibrillin 1; minus strand). Cytogenetic location: 15q21.1.
Variant type: single nucleotide variant.
Coding change: c.6922C>T on transcript NM_000138.5 (MANE Select); coding-DNA position 6922, C replaced by T.
Protein change: p.Leu2308Phe; replaces leucine 2308 with phenylalanine.
Molecular consequence: missense variant.
Genome position (GRCh38, 1-based): chr15:48,428,421, G>A on the plus strand (C>T on the coding strand, the complement: FBN1 is on the minus strand). VCF-style: chr15-48428421-G-A. GRCh37 (hg19) VCF-style: chr15-48720618-G-A.
Other names: c.6922C>T, p.Leu2308Phe (NM_001406716.1); short protein forms L2308F.
Identifiers: ClinVar variation 3256965 (VCV003256965.18).
Genomic context (GRCh38, chr15:48,428,421, plus strand): 5'-GGTTGGGGCTGGCGGTAAACCCATCATTACACTCACAGGTGTAGCTCCCACGGGTGTTGA[G>A]GCAGCGCCCATTCTCACAGATCCCTGGCTTCGTCTGACATTCATTCTCATCTGTTTGATT-3'
Protein context (NP_000129.3, residues 2298-2318): KPGICENGRC[Leu2308Phe]NTRGSYTCEC